The following is an entry in ClinVar:

NM_001347721.2(DYRK1A):c.95G>T (p.Gly32Val)

Gene: DYRK1A (dual specificity tyrosine phosphorylation regulated kinase 1A; plus strand). Cytogenetic location: 21q22.13.
Variant type: single nucleotide variant.
Coding change: c.95G>T on transcript NM_001347721.2 (MANE Select); coding-DNA position 95, G replaced by T.
Protein change: p.Gly32Val; replaces glycine 32 with valine.
Molecular consequence: missense variant.
Genome position (GRCh38, 1-based): chr21:37,472,768, G>T. VCF-style: chr21-37472768-G-T. GRCh37 (hg19) VCF-style: chr21-38845070-G-T.
Other names: c.95G>T, p.Gly32Val (NM_001347722.2, NM_001396.5, NM_101395.2 and 2 more transcripts); c.8G>T, p.Gly3Val (NM_001347723.2); short protein forms G32V, G3V.
Identifiers: ClinVar variation 2146226 (VCV002146226.4), dbSNP rs1049756, ClinGen allele CA409942430.
Genomic context (GRCh38, chr21:37,472,768, plus strand): 5'-CTTCATCTGTTCGGCTTGCACCGTCATTTTCATTCCATGCTGCTGGCCTTCAGATGGCTG[G>T]ACAGATGCCCCATTCACATCAGTACAGTGACCGTCGCCAGCCAAACATAAGTGACCAACA-3'
Protein context (NP_001334650.1, residues 22-42): SFHAAGLQMA[Gly32Val]QMPHSHQYSD

ClinVar aggregate classification (germline): Uncertain significance (1 of 4 stars; one submission).

Conditions:
DYRK1A-related intellectual disability syndrome (MRD7). Also called: Intellectual developmental disorder, autosomal dominant 7; DYRK1A Syndrome. Identifiers: Orphanet 464306, MedGen C5568143, MONDO:0013578, OMIM 614104.

gnomAD v4.1: 4 of 1,613,150 alleles (0.00025%); no homozygotes.

Submission:

Labcorp Genetics (formerly Invitae), Labcorp
Classification: Uncertain significance for DYRK1A-related intellectual disability syndrome. Last evaluated: 2022-05-29. Review status: criteria provided, single submitter. Criteria: Invitae Variant Classification Sherloc (09022015). Collection method: clinical testing. Allele origin: germline.
Comment: This sequence change replaces glycine, which is neutral and non-polar, with valine, which is neutral and non-polar, at codon 32 of the DYRK1A protein (p.Gly32Val). This variant is not present in population databases (gnomAD no frequency). This variant has not been reported in the literature in individuals affected with DYRK1A-related conditions. Advanced modeling of protein sequence and biophysical properties (such as structural, functional, and spatial information, amino acid conservation, physicochemical variation, residue mobility, and thermodynamic stability) performed at Invitae indicates that this missense variant is not expected to disrupt DYRK1A protein function. In summary, the available evidence is currently insufficient to determine the role of this variant in disease. Therefore, it has been classified as a Variant of Uncertain Significance.